The following is an entry in ClinVar:

NM_147127.5(EVC2):c.2775C>G (p.Ile925Met)

Gene: EVC2 (EvC ciliary complex subunit 2; minus strand). Cytogenetic location: 4p16.2.
Variant type: single nucleotide variant.
Coding change: c.2775C>G on transcript NM_147127.5 (MANE Select); coding-DNA position 2775, C replaced by G.
Protein change: p.Ile925Met; replaces isoleucine 925 with methionine.
Molecular consequence: missense variant.
Genome position (GRCh38, 1-based): chr4:5,615,476, G>C on the plus strand (C>G on the coding strand, the complement: EVC2 is on the minus strand). VCF-style: chr4-5615476-G-C. GRCh37 (hg19) VCF-style: chr4-5617203-G-C.
Other names: c.2535C>G, p.Ile845Met (NM_001166136.2); short protein forms I845M, I925M.
Identifiers: ClinVar variation 4794269 (VCV004794269.2).

ClinVar aggregate classification (germline): Uncertain significance. Review status: criteria provided, multiple submitters, no conflicts (2 of 4 stars). 2 submissions from 2 submitters: Uncertain significance (2). Last evaluated 2025-07-21.

Conditions:
Curry-Hall syndrome (WAD). Also called: WEYERS ACRODENTAL DYSOSTOSIS. Identifiers: Orphanet 952, MedGen C0457013, MONDO:0008673, OMIM 193530.
Ellis-van Creveld syndrome (EVC). Also called: MESOECTODERMAL DYSPLASIA; Chondroectodermal dysplasia. Identifiers: Orphanet 289, MedGen C0013903, MONDO:0009162, OMIM 225500.

gnomAD v4.1: 9 of 1,614,046 alleles (0.00056%); highest among the groups gnomAD compares: East Asian, 0.0022%; no homozygotes.

Submissions (2):

Labcorp Genetics (formerly Invitae), Labcorp
Classification: Uncertain significance for Curry-Hall syndrome; Ellis-van Creveld syndrome. Last evaluated: 2025-07-21. Review status: criteria provided, single submitter. Criteria: Invitae Variant Classification Sherloc (09022015). Collection method: clinical testing. Allele origin: germline.
Comment: This sequence change replaces isoleucine, which is neutral and non-polar, with methionine, which is neutral and non-polar, at codon 925 of the EVC2 protein (p.Ile925Met). The frequency data for this variant in the population databases is considered unreliable, as metrics indicate poor data quality at this position in the gnomAD database. This variant has not been reported in the literature in individuals affected with EVC2-related conditions. An algorithm developed to predict the effect of missense changes on protein structure and function (PolyPhen-2) suggests that this variant is likely to be tolerated. In summary, the available evidence is currently insufficient to determine the role of this variant in disease. Therefore, it has been classified as a Variant of Uncertain Significance.

Blueprint Genetics
Classification: Uncertain significance. Last evaluated: 2023-04-19. Review status: criteria provided, single submitter. Criteria: ACMG Guidelines, 2015. Collection method: clinical testing. Allele origin: germline.